The following is an entry in ClinVar:

NM_024915.4(GRHL2):c.314G>A (p.Ser105Asn)

Gene: GRHL2 (grainyhead like transcription factor 2; plus strand). Cytogenetic location: 8q22.3.
Variant type: single nucleotide variant.
Coding change: c.314G>A on transcript NM_024915.4 (MANE Select); coding-DNA position 314, G replaced by A.
Protein change: p.Ser105Asn; replaces serine 105 with asparagine.
Molecular consequence: missense variant.
Genome position (GRCh38, 1-based): chr8:101,558,448, G>A. VCF-style: chr8-101558448-G-A. GRCh37 (hg19) VCF-style: chr8-102570676-G-A.
Other names: c.266G>A, p.Ser89Asn (NM_001330593.2); short protein forms S105N, S89N.
Identifiers: ClinVar variation 3620154 (VCV003620154.3).

ClinVar aggregate classification (germline): Uncertain significance. Review status: criteria provided, multiple submitters, no conflicts (2 of 4 stars). 2 submissions from 2 submitters: Uncertain significance (2). Last evaluated 2025-11-14.

gnomAD v4.1: 11 of 1,614,092 alleles (0.00068%); highest among the groups gnomAD compares: South Asian, 0.012%; no homozygotes.

Submissions (2):

Women's Health and Genetics/Laboratory Corporation of America, LabCorp
Classification: Uncertain significance. Last evaluated: 2025-11-14. Review status: criteria provided, single submitter. Criteria: LabCorp Variant Classification Summary - May 2015. Collection method: clinical testing. Allele origin: germline.
Comment: Variant summary: GRHL2 c.314G>A (p.Ser105Asn) results in a conservative amino acid change in the encoded protein sequence. Algorithms developed to predict the effect of missense changes on protein structure and function all suggest that this variant is likely to be tolerated. The variant was absent in 251430 control chromosomes. The available data on variant occurrences in the general population are insufficient to allow any conclusion about variant significance. To our knowledge, no occurrence of c.314G>A in individuals affected with GRHL2-related conditions and no experimental evidence demonstrating its impact on protein function have been reported. ClinVar contains an entry for this variant (Variation ID: 3620154). Based on the evidence outlined above, the variant was classified as uncertain significance.

Labcorp Genetics (formerly Invitae), Labcorp
Classification: Uncertain significance. Last evaluated: 2024-05-02. Review status: criteria provided, single submitter. Criteria: Invitae Variant Classification Sherloc (09022015). Collection method: clinical testing. Allele origin: germline.
Comment: This sequence change replaces serine, which is neutral and polar, with asparagine, which is neutral and polar, at codon 105 of the GRHL2 protein (p.Ser105Asn). This variant is not present in population databases (gnomAD no frequency). This variant has not been reported in the literature in individuals affected with GRHL2-related conditions. Advanced modeling of protein sequence and biophysical properties (such as structural, functional, and spatial information, amino acid conservation, physicochemical variation, residue mobility, and thermodynamic stability) performed at Invitae indicates that this missense variant is not expected to disrupt GRHL2 protein function with a negative predictive value of 80%. In summary, the available evidence is currently insufficient to determine the role of this variant in disease. Therefore, it has been classified as a Variant of Uncertain Significance.